The following is an entry in ClinVar:

ClinVar aggregate classification (germline): Uncertain significance (1 of 4 stars; one submission).

Conditions:
Hypertrophic cardiomyopathy. Also called: HYPERTROPHIC MYOCARDIOPATHY. Identifiers: Orphanet 217569, MedGen C0007194, MeSH D002312, MONDO:0005045, HP:0001639.

Submission:

Labcorp Genetics (formerly Invitae), Labcorp
Classification: Uncertain significance for Hypertrophic cardiomyopathy. Last evaluated: 2023-12-05. Review status: criteria provided, single submitter. Criteria: Invitae Variant Classification Sherloc (09022015). Collection method: clinical testing. Allele origin: germline.
Comment: This sequence change replaces glycine, which is neutral and non-polar, with alanine, which is neutral and non-polar, at codon 377 of the MYH7 protein (p.Gly377Ala). This variant is not present in population databases (gnomAD no frequency). This variant has not been reported in the literature in individuals affected with MYH7-related conditions. Advanced modeling of protein sequence and biophysical properties (such as structural, functional, and spatial information, amino acid conservation, physicochemical variation, residue mobility, and thermodynamic stability) performed at Invitae indicates that this missense variant is expected to disrupt MYH7 protein function with a positive predictive value of 95%. In summary, the available evidence is currently insufficient to determine the role of this variant in disease. Therefore, it has been classified as a Variant of Uncertain Significance.

NM_000257.4(MYH7):c.1130G>C (p.Gly377Ala)

Gene: MYH7 (myosin heavy chain 7; minus strand). Cytogenetic location: 14q11.2.
Variant type: single nucleotide variant.
Coding change: c.1130G>C on transcript NM_000257.4 (MANE Select); coding-DNA position 1130, G replaced by C.
Protein change: p.Gly377Ala; replaces glycine 377 with alanine.
Molecular consequence: missense variant.
Genome position (GRCh38, 1-based): chr14:23,429,783, C>G on the plus strand (G>C on the coding strand, the complement: MYH7 is on the minus strand). VCF-style: chr14-23429783-C-G. GRCh37 (hg19) VCF-style: chr14-23898992-C-G.
Other names: c.1130G>C, p.Gly377Ala (NM_001407004.1); short protein forms G377A.
Identifiers: ClinVar variation 2701135 (VCV002701135.3), dbSNP rs1085307959, ClinGen allele CA389051290.